The following is an entry in ClinVar:

ClinVar aggregate classification (germline): Conflicting classifications of pathogenicity. Review status: criteria provided, conflicting classifications (1 of 4 stars). 7 submissions from 7 submitters: Uncertain significance (2); Likely benign (3). 2 of the submissions do not count toward it. Last evaluated 2026-01-22.

Conditions:
Inborn genetic diseases. Identifiers: MedGen C0950123, MeSH D030342.
PCDH15-related disorder. Also called: PCDH15-related disorders; PCDH15-related condition.
Usher syndrome type 1 (USH1). Also called: RETINITIS PIGMENTOSA AND CONGENITAL DEAFNESS. Identifiers: Orphanet 231169, Orphanet 886, MedGen C1568247, MONDO:0010168, OMIM 276900.
Usher syndrome type 1F (USH1F). Also called: USHER SYNDROME, TYPE IF. Identifiers: Orphanet 231169, Orphanet 886, MedGen C1865885, MONDO:0011186, OMIM 602083.

Allele frequency attached by ClinVar (database versions not stated): gnomAD exomes 0.00018 and 0.00036; 1000 Genomes Project 0.00160; 1000 Genomes Project 30x 0.00172; ExAC 0.00047; TOPMed 0.00161; ESP Exome Variant Server 0.00116; gnomAD 0.00131 and 0.00134.
gnomAD v4.1: 466 of 1,574,760 alleles (0.03%); highest among the groups gnomAD compares: African/African-American, 0.43%; 5 homozygotes.

Submissions (7):

Labcorp Genetics (formerly Invitae), Labcorp
Classification: Likely benign. Last evaluated: 2026-01-22. Review status: criteria provided, single submitter. Criteria: Invitae Variant Classification Sherloc (09022015). Collection method: clinical testing. Allele origin: germline.

Blueprint Genetics
Classification: Likely benign. Last evaluated: 2024-11-01. Review status: criteria provided, single submitter. Criteria: ACMG Guidelines, 2015. Collection method: clinical testing. Allele origin: germline.

Ambry Genetics
Classification: Uncertain significance for Inborn genetic diseases. Last evaluated: 2021-08-09. Review status: criteria provided, single submitter. Criteria: Ambry Variant Classification Scheme 2023. Collection method: clinical testing. Allele origin: germline.

Illumina Laboratory Services, Illumina
Classification: Uncertain significance for Usher syndrome type 1. Last evaluated: 2018-01-13. Review status: criteria provided, single submitter. Criteria: ICSL Variant Classification Criteria 13 December 2019. Collection method: clinical testing. Allele origin: germline.

Laboratory for Molecular Medicine, Mass General Brigham Personalized Medicine
Classification: Likely benign. Last evaluated: 2015-05-03. Review status: criteria provided, single submitter. Criteria: LMM Criteria. Collection method: clinical testing. Allele origin: germline. Observed: 5 variant alleles.
Comment: p.Ser1785Pro in exon 33 of PCDH15: This variant is not expected to have clinica l significance because it has been identified in 0.5% (21/4570) of African chro mosomes by the Exome Aggregation Consortium (ExAC, g; dbSNP rs144261647).

PreventionGenetics, part of Exact Sciences
Classification: Likely benign for PCDH15-related condition. Last evaluated: 2023-03-29. Review status: no assertion criteria provided. Collection method: clinical testing. Allele origin: germline. Not counted in ClinVar's aggregate classification.
Comment: This variant is classified as likely benign based on ACMG/AMP sequence variant interpretation guidelines (Richards et al. 2015 PMID: 25741868, with internal and published modifications).

Natera, Inc.
Classification: Likely benign for Usher syndrome type 1F. Last evaluated: 2020-09-16. Review status: no assertion criteria provided. Collection method: clinical testing. Allele origin: germline. Not counted in ClinVar's aggregate classification.

NM_033056.4(PCDH15):c.5353T>C (p.Ser1785Pro)

Gene: PCDH15 (protocadherin related 15; minus strand). Cytogenetic location: 10q21.1.
Variant type: single nucleotide variant.
Coding change: c.5353T>C on transcript NM_033056.4 (MANE Plus Clinical); coding-DNA position 5353, T replaced by C.
Protein change: p.Ser1785Pro; replaces serine 1785 with proline.
Molecular consequence: missense variant. On other transcripts: intron variant (8).
Genome position (GRCh38, 1-based): chr10:53,822,373, A>G on the plus strand (T>C on the coding strand, the complement: PCDH15 is on the minus strand). VCF-style: chr10-53822373-A-G. GRCh37 (hg19) VCF-style: chr10-55582133-A-G.
Other names: c.5374T>C, p.Ser1792Pro (NM_001142763.2); c.5359T>C, p.Ser1787Pro (NM_001142764.2); c.5146T>C, p.Ser1716Pro (NM_001142765.2); c.5344T>C, p.Ser1782Pro (NM_001142766.2); c.5233T>C, p.Ser1745Pro (NM_001142767.2); c.5293T>C, p.Ser1765Pro (NM_001142768.2); c.5284T>C, p.Ser1762Pro (NM_001142773.2); c.5287T>C, p.Ser1763Pro (NM_001354404.2); and 7 more; short protein forms S1785P, S1745P, S1762P, S1763P, S1782P, S1765P, S1792P, S1787P.
Identifiers: ClinVar variation 46497 (VCV000046497.24), dbSNP rs144261647, ClinGen allele CA138467.